The following is an entry in ClinVar:

ClinVar aggregate classification (germline): Uncertain significance (1 of 4 stars; one submission).

Submission:

GeneDx
Classification: Uncertain significance. Last evaluated: 2024-02-01. Review status: criteria provided, single submitter. Criteria: GeneDx Variant Classification Process June 2021. Collection method: clinical testing. Allele origin: germline. Affected: yes.
Comment: Not observed at significant frequency in large population cohorts (gnomAD); In silico analysis supports that this missense variant has a deleterious effect on protein structure/function; Has not been previously published as pathogenic or benign to our knowledge

NM_001330288.2(SMARCC2):c.1898C>T (p.Thr633Ile)

Gene: SMARCC2 (SWI/SNF related BAF chromatin remodeling complex subunit C2; minus strand). Cytogenetic location: 12q13.2.
Variant type: single nucleotide variant.
Coding change: c.1898C>T on transcript NM_001330288.2 (MANE Select); coding-DNA position 1898, C replaced by T.
Protein change: p.Thr633Ile; replaces threonine 633 with isoleucine.
Molecular consequence: missense variant.
Genome position (GRCh38, 1-based): chr12:56,172,456, G>A on the plus strand (C>T on the coding strand, the complement: SMARCC2 is on the minus strand). VCF-style: chr12-56172456-G-A. GRCh37 (hg19) VCF-style: chr12-56566240-G-A.
Other names: c.1898C>T, p.Thr633Ile (NM_001130420.3, NM_139067.4); c.1805C>T, p.Thr602Ile (NM_003075.5); short protein forms T602I, T633I.
Identifiers: ClinVar variation 3368529 (VCV003368529.1).